The following is an entry in ClinVar:

NM_024529.5(CDC73):c.617C>T (p.Thr206Ile)

Gene: CDC73 (cell division cycle 73; plus strand). Cytogenetic location: 1q31.2.
Variant type: single nucleotide variant.
Coding change: c.617C>T on transcript NM_024529.5 (MANE Select); coding-DNA position 617, C replaced by T.
Protein change: p.Thr206Ile; replaces threonine 206 with isoleucine.
Molecular consequence: missense variant.
Genome position (GRCh38, 1-based): chr1:193,141,954, C>T. VCF-style: chr1-193141954-C-T. GRCh37 (hg19) VCF-style: chr1-193111084-C-T.
Other names: short protein forms T206I.
Identifiers: ClinVar variation 1752053 (VCV001752053.2), dbSNP rs2103126240, ClinGen allele CA343962538.

ClinVar aggregate classification (germline): Uncertain significance (1 of 4 stars; one submission).

Conditions:
Hereditary cancer-predisposing syndrome. Also called: Hereditary Cancer Syndrome; Hereditary neoplastic syndrome; Neoplastic Syndromes, Hereditary; Tumor predisposition. Identifiers: Orphanet 140162, MedGen C0027672, MeSH D009386, MONDO:0015356.

Submission:

Ambry Genetics
Classification: Uncertain significance for Hereditary cancer-predisposing syndrome. Last evaluated: 2022-08-03. Review status: criteria provided, single submitter. Criteria: Ambry Variant Classification Scheme 2023. Collection method: clinical testing. Allele origin: germline.
Comment: The p.T206I variant (also known as c.617C>T), located in coding exon 7 of the CDC73 gene, results from a C to T substitution at nucleotide position 617. The threonine at codon 206 is replaced by isoleucine, an amino acid with similar properties. This amino acid position is conserved. In addition, the in silico prediction for this alteration is inconclusive. Since supporting evidence is limited at this time, the clinical significance of this alteration remains unclear.